The following is an entry in ClinVar:

NM_000553.6(WRN):c.3819+5G>C

Gene: WRN (WRN RecQ like helicase; plus strand). Cytogenetic location: 8p12.
Variant type: single nucleotide variant.
Coding change: c.3819+5G>C on transcript NM_000553.6 (MANE Select); 5 bases into the intron after coding-DNA position 3819, G replaced by C.
Molecular consequence: intron variant.
Genome position (GRCh38, 1-based): chr8:31,154,760, G>C. VCF-style: chr8-31154760-G-C. GRCh37 (hg19) VCF-style: chr8-31012276-G-C.
Identifiers: ClinVar variation 238163 (VCV000238163.25), dbSNP rs770289356, ClinGen allele CA4705184.
Genomic context (GRCh38, chr8:31,154,760, plus strand): 5'-TTTCACAGTCTATGGCCATCACATACTCTTTATTCCAAGAAAAGAAGATGCCTTTGGTAA[G>C]TGTGACTTTCATGTTACAGGGAATTTTTTTAGTTTACTTAAACTTGTGTTTTATCAGCTT-3'

ClinVar aggregate classification (germline): Uncertain significance. Review status: criteria provided, multiple submitters, no conflicts (2 of 4 stars). 5 submissions from 5 submitters: Uncertain significance (5). Last evaluated 2026-08-03.

Conditions:
WRN-related disorder. Also called: WRN-related condition.
Werner syndrome (WRN). Identifiers: Orphanet 902, MedGen C0043119, MONDO:0010196, OMIM 277700.

Allele frequency attached by ClinVar (database versions not stated): ExAC 0.00006; gnomAD exomes 0.00007 and 0.00011; gnomAD 0.00008; TOPMed 0.00011.
gnomAD v4.1: 177 of 1,613,136 alleles (0.011%); highest among the groups gnomAD compares: Non-Finnish European, 0.014%; no homozygotes.

Submissions (7):

PreventionGenetics, part of Exact Sciences
Classification: Uncertain significance for WRN-related condition. Last evaluated: 2026-08-03. Review status: criteria provided, single submitter. Criteria: ACMG Guidelines, 2015. Collection method: clinical testing. Allele origin: germline.
Comment: The WRN c.3819+5G>C variant is predicted to interfere with splicing. To our knowledge, this variant has not been reported in the literature. This variant is reported in 0.012% of alleles in individuals of European (Non-Finnish) descent in gnomAD and is reported as uncertain in ClinVar (Variation ID: 238163). At this time, the clinical significance of this variant is uncertain due to the absence of conclusive functional and genetic evidence.

Labcorp Genetics (formerly Invitae), Labcorp
Classification: Uncertain significance for Werner syndrome. Last evaluated: 2025-12-14. Review status: criteria provided, single submitter. Criteria: Invitae Variant Classification Sherloc (09022015). Collection method: clinical testing. Allele origin: germline.
Comment: This sequence change falls in intron 32 of the WRN gene. It does not directly change the encoded amino acid sequence of the WRN protein. RNA analysis indicates that this variant induces altered splicing and likely results in a shortened protein product. This variant is present in population databases (rs770289356, gnomAD 0.01%). This variant has not been reported in the literature in individuals affected with WRN-related conditions. ClinVar contains an entry for this variant (Variation ID: 238163). Variants that disrupt the consensus splice site are a relatively common cause of aberrant splicing (PMID: 17576681, 9536098). Studies have shown that this variant results in skipping of exon 32, but is expected to preserve the integrity of the reading-frame (internal data). In summary, the available evidence is currently insufficient to determine the role of this variant in disease. Therefore, it has been classified as a Variant of Uncertain Significance.

GeneDx
Classification: Uncertain significance. Last evaluated: 2025-06-22. Review status: criteria provided, single submitter. Criteria: GeneDx Variant Classification Process June 2021. Collection method: clinical testing. Allele origin: germline. Affected: yes.
Comment: In silico analysis supports a deleterious effect on splicing; Has not been previously published as pathogenic or benign to our knowledge

Blueprint Genetics
Classification: Uncertain significance. Last evaluated: 2024-10-30. Review status: criteria provided, single submitter. Criteria: ACMG Guidelines, 2015. Collection method: clinical testing. Allele origin: germline.

Fulgent Genetics
Classification: Uncertain significance for Werner syndrome. Last evaluated: 2018-10-31. Review status: criteria provided, single submitter. Criteria: ACMG Guidelines, 2015. Collection method: clinical testing. Allele origin: unknown.

Dr. Peter K. Rogan Lab, Western University
No classification provided (evidence only). Condition: Sarcoma. Review status: no classification provided. Collection method: in vitro. Allele origin: not applicable. Functional consequence: skipped exon. Not counted in ClinVar's aggregate classification.

Dr. Peter K. Rogan Lab, Western University
No classification provided (evidence only). Condition: Malignant tumor of esophagus. Review status: no classification provided. Collection method: in vitro. Allele origin: not applicable. Functional consequence: skipped exon. Not counted in ClinVar's aggregate classification.

Literature cited by the submitters: PubMed 17576681 (cited by Labcorp Genetics (formerly Invitae), Labcorp); PubMed 9536098 (cited by Labcorp Genetics (formerly Invitae), Labcorp).